The following is an entry in ClinVar:

NM_000059.4(BRCA2):c.8754+11A>G

Gene: BRCA2 (BRCA2 DNA repair associated; plus strand). Cytogenetic location: 13q13.1.
Variant type: single nucleotide variant.
Coding change: c.8754+11A>G on transcript NM_000059.4 (MANE Select); 11 bases into the intron after coding-DNA position 8754, A replaced by G.
Molecular consequence: intron variant.
Genome position (GRCh38, 1-based): chr13:32,376,802, A>G. VCF-style: chr13-32376802-A-G. GRCh37 (hg19) VCF-style: chr13-32950939-A-G.
Identifiers: ClinVar variation 512125 (VCV000512125.6), dbSNP rs397508005, ClinGen allele CA658798066.

ClinVar aggregate classification (germline): Likely benign. Review status: criteria provided, multiple submitters, no conflicts (2 of 4 stars). 2 submissions from 2 submitters: Likely benign (2). Last evaluated 2025-09-15.

Conditions:
Hereditary breast ovarian cancer syndrome. Also called: Hereditary breast and ovarian cancer syndrome; BRCA1- and BRCA2-Associated Hereditary Breast and Ovarian Cancer; Hereditary breast and/or ovarian cancer syndrome; Hereditary breast and ovarian cancer syndrome (HBOC); Breast and ovarian cancer; Hereditary breast and ovarian cancer. Identifiers: Orphanet 145, MedGen C0677776, MeSH D061325, MONDO:0003582. Disease mechanism: loss of function.

Submissions (2):

Labcorp Genetics (formerly Invitae), Labcorp
Classification: Likely benign for Hereditary breast ovarian cancer syndrome. Last evaluated: 2025-09-15. Review status: criteria provided, single submitter. Criteria: Invitae Variant Classification Sherloc (09022015). Collection method: clinical testing. Allele origin: germline.

GeneDx
Classification: Likely benign. Last evaluated: 2017-09-15. Review status: criteria provided, single submitter. Criteria: GeneDx Variant Classification (06012015). Collection method: clinical testing. Allele origin: germline. Affected: yes.
Comment: This variant is considered likely benign or benign based on one or more of the following criteria: it is a conservative change, it occurs at a poorly conserved position in the protein, it is predicted to be benign by multiple in silico algorithms, and/or has population frequency not consistent with disease.